The following is an entry in ClinVar:

ClinVar aggregate classification (germline): Uncertain significance (1 of 4 stars; one submission).

Conditions:
Fanconi anemia (FA). Also called: Fanconi's anemia. Identifiers: Orphanet 84, MedGen C0015625, MeSH D005199, MONDO:0019391.

Allele frequency attached by ClinVar (database versions not stated): gnomAD exomes below 0.00001.
gnomAD v4.1: 3 of 1,613,790 alleles (0.00019%); highest among the groups gnomAD compares: African/African-American, 0.004%; no homozygotes.

Submission:

Labcorp Genetics (formerly Invitae), Labcorp
Classification: Uncertain significance for Fanconi anemia. Last evaluated: 2021-08-31. Review status: criteria provided, single submitter. Criteria: Invitae Variant Classification Sherloc (09022015). Collection method: clinical testing. Allele origin: germline.
Comment: This sequence change replaces serine with alanine at codon 895 of the FANCI protein (p.Ser895Ala). The serine residue is weakly conserved and there is a moderate physicochemical difference between serine and alanine. This variant is not present in population databases (ExAC no frequency). This variant has not been reported in the literature in individuals affected with FANCI-related conditions. Algorithms developed to predict the effect of missense changes on protein structure and function (SIFT, PolyPhen-2, Align-GVGD) all suggest that this variant is likely to be tolerated. In summary, the available evidence is currently insufficient to determine the role of this variant in disease. Therefore, it has been classified as a Variant of Uncertain Significance.

NM_001113378.2(FANCI):c.2683T>G (p.Ser895Ala)

Gene: FANCI (FA complementation group I; plus strand). Cytogenetic location: 15q26.1.
Variant type: single nucleotide variant.
Coding change: c.2683T>G on transcript NM_001113378.2 (MANE Select); coding-DNA position 2683, T replaced by G.
Protein change: p.Ser895Ala; replaces serine 895 with alanine.
Molecular consequence: missense variant.
Genome position (GRCh38, 1-based): chr15:89,299,846, T>G. VCF-style: chr15-89299846-T-G. GRCh37 (hg19) VCF-style: chr15-89843077-T-G.
Other names: c.2404T>G, p.Ser802Ala (NM_001376910.1); c.2683T>G, p.Ser895Ala (NM_001376911.1); c.2503T>G, p.Ser835Ala (NM_018193.3); short protein forms S802A, S895A, S835A.
Identifiers: ClinVar variation 1509451 (VCV001509451.5), dbSNP rs1567170319, ClinGen allele CA393736656.